The following is an entry in ClinVar:

ClinVar aggregate classification (germline): Uncertain significance (1 of 4 stars; one submission).

Conditions:
Primary ciliary dyskinesia. Also called: Ciliary dyskinesia. Identifiers: Orphanet 244, MedGen C0008780, MONDO:0016575, HP:0012265.

Allele frequency attached by ClinVar (database versions not stated): gnomAD 0.00004; gnomAD exomes 0.00001; TOPMed 0.00003.
gnomAD v4.1: 9 of 1,614,110 alleles (0.00056%); highest among the groups gnomAD compares: Admixed American, 0.015%; no homozygotes.

Submission:

Labcorp Genetics (formerly Invitae), Labcorp
Classification: Uncertain significance for Primary ciliary dyskinesia. Last evaluated: 2022-12-14. Review status: criteria provided, single submitter. Criteria: Invitae Variant Classification Sherloc (09022015). Collection method: clinical testing. Allele origin: germline.
Comment: This variant has not been reported in the literature in individuals affected with DNAI1-related conditions. This variant is present in population databases (no rsID available, gnomAD 0.009%). This sequence change falls in intron 17 of the DNAI1 gene. It does not directly change the encoded amino acid sequence of the DNAI1 protein. It affects a nucleotide within the consensus splice site. Variants that disrupt the consensus splice site are a relatively common cause of aberrant splicing (PMID: 17576681, 9536098). Algorithms developed to predict the effect of sequence changes on RNA splicing suggest that this variant is not likely to affect RNA splicing. In summary, the available evidence is currently insufficient to determine the role of this variant in disease. Therefore, it has been classified as a Variant of Uncertain Significance.

Literature cited by the submitters: PubMed 17576681; PubMed 9536098.

NM_012144.4(DNAI1):c.1719-3C>T

Gene: DNAI1 (dynein axonemal intermediate chain 1; plus strand). Cytogenetic location: 9p13.3.
Variant type: single nucleotide variant.
Coding change: c.1719-3C>T on transcript NM_012144.4 (MANE Select); 3 bases into the intron before coding-DNA position 1719, C replaced by T.
Molecular consequence: intron variant.
Genome position (GRCh38, 1-based): chr9:34,514,637, C>T. VCF-style: chr9-34514637-C-T. GRCh37 (hg19) VCF-style: chr9-34514635-C-T.
Other names: c.1731-3C>T (NM_001281428.2).
Identifiers: ClinVar variation 2916374 (VCV002916374.3), dbSNP rs1424934897, ClinGen allele CA587567894.